The following is an entry in ClinVar:

ClinVar aggregate classification (germline): Likely benign (1 of 4 stars; one submission).

gnomAD v4.1: 689 of 800,064 alleles (0.086%); highest among the groups gnomAD compares: Non-Finnish European, 0.065%; no homozygotes.

Submission:

CeGaT Center for Human Genetics Tuebingen
Classification: Likely benign. Last evaluated: 2023-08-01. Review status: criteria provided, single submitter. Criteria: CeGaT Center For Human Genetics Tuebingen Variant Classification Criteria Version 2. Collection method: clinical testing. Allele origin: germline. Affected: yes. Observed: 1 variant allele.
Comment: MUC3A: BP4, BP7

NM_005960.2(MUC3A):c.6981G>A (p.Ser2327=)

Gene: MUC3A (mucin 3A, cell surface associated; plus strand). Cytogenetic location: 7q22.1.
Variant type: single nucleotide variant.
Coding change: c.6981G>A on transcript NM_005960.2 (MANE Select); coding-DNA position 6981, G replaced by A.
Protein change: p.Ser2327=; no amino-acid change (serine 2327 retained).
Molecular consequence: synonymous variant.
Genome position (GRCh38, 1-based): chr7:100,958,760, G>A. VCF-style: chr7-100958760-G-A. GRCh37 (hg19) VCF-style: chr7-100550889-G-A.
Identifiers: ClinVar variation 2657783 (VCV002657783.24), dbSNP rs111579886, ClinGen allele CA4397258.